The following is an entry in ClinVar:

ClinVar aggregate classification (germline): Conflicting classifications of pathogenicity. Review status: criteria provided, conflicting classifications (1 of 4 stars). 2 submissions from 2 submitters: Uncertain significance (1); Likely benign (1). Last evaluated 2022-09-01.

Allele frequency attached by ClinVar (database versions not stated): gnomAD 0.00001; TOPMed 0.00001; ExAC 0.00002.
gnomAD v4.1: 36 of 1,589,614 alleles (0.0023%); highest among the groups gnomAD compares: Non-Finnish European, 0.0028%; no homozygotes.

Submissions (2):

CeGaT Center for Human Genetics Tuebingen
Classification: Uncertain significance. Last evaluated: 2022-09-01. Review status: criteria provided, single submitter. Criteria: CeGaT Center For Human Genetics Tuebingen Variant Classification Criteria Version 2. Collection method: clinical testing. Allele origin: germline. Affected: yes. Observed: 1 variant allele.
Comment: BIN1: PM2

GeneDx
Classification: Likely benign. Last evaluated: 2017-07-27. Review status: criteria provided, single submitter. Criteria: GeneDx Variant Classification (06012015). Collection method: clinical testing. Allele origin: germline. Affected: yes.
Comment: This variant is considered likely benign or benign based on one or more of the following criteria: it is a conservative change, it occurs at a poorly conserved position in the protein, it is predicted to be benign by multiple in silico algorithms, and/or has population frequency not consistent with disease.

NM_139343.3(BIN1):c.84+15G>T

Gene: BIN1 (bridging integrator 1; minus strand). Cytogenetic location: 2q14.3.
Variant type: single nucleotide variant.
Coding change: c.84+15G>T on transcript NM_139343.3 (MANE Select); 15 bases into the intron after coding-DNA position 84, G replaced by T.
Molecular consequence: intron variant.
Genome position (GRCh38, 1-based): chr2:127,106,845, C>A on the plus strand (G>T on the coding strand, the complement: BIN1 is on the minus strand). VCF-style: chr2-127106845-C-A. GRCh37 (hg19) VCF-style: chr2-127864421-C-A.
Other names: c.84+15G>T (NM_139351.3, NM_139350.3, NM_139349.3 and 10 more transcripts).
Identifiers: ClinVar variation 510990 (VCV000510990.31), dbSNP rs769721985, ClinGen allele CA1857619.
Genomic context (GRCh38, chr2:127,106,845, plus strand): 5'-GAGGATAGGGGGACAGGTGGCCGGGGCTCCGCGGCGGCTGGGACTCCGCGGCTGCTGGGG[C>A]TCCGGCTCGCTCACCTTCTCCTGCGCGCGGGTGAGCTTCTTCTGCACGTTGCTGGCGATC-3'